The following is an entry in ClinVar:

ClinVar aggregate classification (germline): Uncertain significance. Review status: criteria provided, multiple submitters, no conflicts (2 of 4 stars). 2 submissions from 2 submitters: Uncertain significance (2). Last evaluated 2024-03-06.

Conditions:
Hereditary cancer-predisposing syndrome. Also called: Tumor predisposition; Hereditary Cancer Syndrome; Neoplastic Syndromes, Hereditary; Hereditary neoplastic syndrome. Identifiers: Orphanet 140162, MedGen C0027672, MeSH D009386, MONDO:0015356.
Juvenile polyposis syndrome (JPS). Identifiers: Orphanet 2929, MedGen C0345893, MONDO:0017380, OMIM 174900.

Submissions (2):

Color Diagnostics, LLC DBA Color Health
Classification: Uncertain significance for Hereditary cancer-predisposing syndrome. Last evaluated: 2024-03-06. Review status: criteria provided, single submitter. Criteria: ACMG Guidelines, 2015. Collection method: clinical testing. Allele origin: germline.
Comment: This missense variant replaces threonine with serine at codon 400 of the BMPR1A protein. Computational prediction suggests that this variant may not impact protein structure and function (internally defined REVEL score threshold <= 0.5, PMID: 27666373). To our knowledge, functional studies have not been reported for this variant. This variant has not been reported in individuals affected with hereditary cancer in the literature. This variant has not been identified in the general population by the Genome Aggregation Database (gnomAD). The available evidence is insufficient to determine the role of this variant in disease conclusively. Therefore, this variant is classified as a Variant of Uncertain Significance.

Labcorp Genetics (formerly Invitae), Labcorp
Classification: Uncertain significance for Juvenile polyposis syndrome. Last evaluated: 2020-04-19. Review status: criteria provided, single submitter. Criteria: Invitae Variant Classification Sherloc (09022015). Collection method: clinical testing. Allele origin: germline.
Comment: In summary, the available evidence is currently insufficient to determine the role of this variant in disease. Therefore, it has been classified as a Variant of Uncertain Significance. Algorithms developed to predict the effect of sequence changes on RNA splicing suggest that this variant may create or strengthen a splice site, but this prediction has not been confirmed by published transcriptional studies. Algorithms developed to predict the effect of missense changes on protein structure and function (SIFT, PolyPhen-2, Align-GVGD) all suggest that this variant is likely to be tolerated, but these predictions have not been confirmed by published functional studies and their clinical significance is uncertain. This variant has not been reported in the literature in individuals with BMPR1A-related conditions. This variant is not present in population databases (ExAC no frequency). This sequence change replaces threonine with serine at codon 400 of the BMPR1A protein (p.Thr400Ser). The threonine residue is highly conserved and there is a small physicochemical difference between threonine and serine.

NM_004329.3(BMPR1A):c.1199C>G (p.Thr400Ser)

Gene: BMPR1A (bone morphogenetic protein receptor type 1A; plus strand). Cytogenetic location: 10q23.2.
Variant type: single nucleotide variant.
Coding change: c.1199C>G on transcript NM_004329.3 (MANE Select); coding-DNA position 1199, C replaced by G.
Protein change: p.Thr400Ser; replaces threonine 400 with serine.
Molecular consequence: missense variant.
Genome position (GRCh38, 1-based): chr10:86,921,552, C>G. VCF-style: chr10-86921552-C-G. GRCh37 (hg19) VCF-style: chr10-88681309-C-G.
Other names: short protein forms T400S.
Identifiers: ClinVar variation 1018414 (VCV001018414.13), dbSNP rs1554891317, ClinGen allele CA377461927.